The following is an entry in ClinVar:

ClinVar aggregate classification (germline): Uncertain significance. Review status: criteria provided, multiple submitters, no conflicts (2 of 4 stars). 3 submissions from 3 submitters: Uncertain significance (2). 1 of the submissions does not count toward it. Last evaluated 2025-07-24.

Conditions:
Hereditary insensitivity to pain with anhidrosis (CIPA). Also called: hereditary sensory and autonomic neuropathy type 4; FAMILIAL DYSAUTONOMIA, TYPE II; NTRK1 Congenital Insensitivity to Pain with Anhidrosis; INSENSITIVITY TO PAIN, CONGENITAL, WITH ANHIDROSIS; NEUROPATHY, CONGENITAL SENSORY, WITH ANHIDROSIS; HSAN Type IV. Identifiers: Orphanet 642, MedGen C0020074, MONDO:0009746, OMIM 256800.

Allele frequency attached by ClinVar (database versions not stated): gnomAD 0.00001; TOPMed 0.00001; gnomAD exomes 0.00002.
gnomAD v4.1: 35 of 1,607,490 alleles (0.0022%); highest among the groups gnomAD compares: Non-Finnish European, 0.0027%; no homozygotes.

Submissions (3):

Myriad Genetics, Inc.
Classification: Uncertain significance for Hereditary insensitivity to pain with anhidrosis. Last evaluated: 2025-07-24. Review status: criteria provided, single submitter. Criteria: Myriad Autosomal Dominant, Autosomal Recessive and X-Linked Classification Criteria (2023). Collection method: clinical testing. Allele origin: unknown.
Comment: NM_002529.3(NTRK1):c.2377G>T(D793Y) is a missense variant classified as a variant of uncertain significance in the context of congenital insensitivity to pain with anhidrosis, NTRK1-related. D793Y has not been observed in cases with relevant disease. Relevant functional assessments of this variant are not available in the literature. D793Y has not been observed in referenced population frequency databases. In summary, there is insufficient evidence to classify NM_002529.3(NTRK1):c.2377G>T(D793Y) as pathogenic or benign. Please note: this variant was assessed in the context of healthy population screening.

Labcorp Genetics (formerly Invitae), Labcorp
Classification: Uncertain significance for Hereditary insensitivity to pain with anhidrosis. Last evaluated: 2021-08-28. Review status: criteria provided, single submitter. Criteria: Invitae Variant Classification Sherloc (09022015). Collection method: clinical testing. Allele origin: germline.
Comment: This sequence change replaces aspartic acid with tyrosine at codon 787 of the NTRK1 protein (p.Asp787Tyr). The aspartic acid residue is highly conserved and there is a large physicochemical difference between aspartic acid and tyrosine. This variant is not present in population databases (ExAC no frequency). This variant has not been reported in the literature in individuals affected with NTRK1-related conditions. Algorithms developed to predict the effect of missense changes on protein structure and function (SIFT, PolyPhen-2, Align-GVGD) all suggest that this variant is likely to be disruptive. Algorithms developed to predict the effect of sequence changes on RNA splicing suggest that this variant may create or strengthen a splice site. In summary, the available evidence is currently insufficient to determine the role of this variant in disease. Therefore, it has been classified as a Variant of Uncertain Significance.

Natera, Inc.
Classification: Uncertain significance for Hereditary insensitivity to pain with anhidrosis. Last evaluated: 2021-02-09. Review status: no assertion criteria provided. Collection method: clinical testing. Allele origin: germline. Not counted in ClinVar's aggregate classification.

NM_002529.4(NTRK1):c.2377G>T (p.Asp793Tyr)

Gene: NTRK1 (neurotrophic receptor tyrosine kinase 1; plus strand). Cytogenetic location: 1q23.1.
Variant type: single nucleotide variant.
Coding change: c.2377G>T on transcript NM_002529.4 (MANE Select); coding-DNA position 2377, G replaced by T.
Protein change: p.Asp793Tyr; replaces aspartic acid 793 with tyrosine.
Molecular consequence: missense variant.
Genome position (GRCh38, 1-based): chr1:156,881,628, G>T. VCF-style: chr1-156881628-G-T. GRCh37 (hg19) VCF-style: chr1-156851420-G-T.
Other names: c.2269G>T, p.Asp757Tyr (NM_001007792.1); c.2359G>T, p.Asp787Tyr (NM_001012331.2); short protein forms D757Y, D787Y, D793Y.
Identifiers: ClinVar variation 456614 (VCV000456614.6), dbSNP rs1170361634, ClinGen allele CA342941806.